The following is an entry in ClinVar:

ClinVar aggregate classification (germline): Benign/Likely benign. Review status: criteria provided, multiple submitters, no conflicts (2 of 4 stars). 3 submissions from 3 submitters: Benign (1); Likely benign (2). Last evaluated 2025-03-02.

Conditions:
Fanconi anemia complementation group J. Also called: BRIP1-Related Fanconi Anemia. Identifiers: Orphanet 84, MedGen C1836860, MONDO:0012187, OMIM 609054.
Familial cancer of breast. Also called: BREAST CANCER, FAMILIAL; Hereditary breast cancer; hereditary breast carcinoma. Identifiers: Orphanet 227535, MedGen C0346153, MONDO:0016419, OMIM 114480. Disease mechanism: loss of function.
Hereditary cancer-predisposing syndrome. Also called: Tumor predisposition; Neoplastic Syndromes, Hereditary; Hereditary Cancer Syndrome; Hereditary neoplastic syndrome. Identifiers: Orphanet 140162, MedGen C0027672, MeSH D009386, MONDO:0015356.

Allele frequency attached by ClinVar (database versions not stated): gnomAD exomes below 0.00001.
gnomAD v4.1: 1 of 1,614,084 alleles (0.000062%); highest among the groups gnomAD compares: Non-Finnish European, 0.000085%; no homozygotes.

Submissions (3):

Labcorp Genetics (formerly Invitae), Labcorp
Classification: Likely benign for Familial cancer of breast; Fanconi anemia complementation group J. Last evaluated: 2025-03-02. Review status: criteria provided, single submitter. Criteria: Invitae Variant Classification Sherloc (09022015). Collection method: clinical testing. Allele origin: germline.

Myriad Genetics, Inc.
Classification: Benign for Familial cancer of breast. Last evaluated: 2024-09-06. Review status: criteria provided, single submitter. Criteria: Myriad Autosomal Dominant, Autosomal Recessive and X-Linked Classification Criteria (2023). Collection method: clinical testing. Allele origin: unknown.
Comment: This variant is considered benign. This variant is a silent/synonymous amino acid change and it is not expected to impact splicing.

Ambry Genetics
Classification: Likely benign for Hereditary cancer-predisposing syndrome. Last evaluated: 2016-07-07. Review status: criteria provided, single submitter. Criteria: Ambry Variant Classification Scheme 2023. Collection method: clinical testing. Allele origin: germline.

NM_032043.3(BRIP1):c.2775A>G (p.Ala925=)

Gene: BRIP1 (BRCA1 interacting DNA helicase 1; minus strand). Cytogenetic location: 17q23.2.
Variant type: single nucleotide variant.
Coding change: c.2775A>G on transcript NM_032043.3 (MANE Select); coding-DNA position 2775, A replaced by G.
Protein change: p.Ala925=; no amino-acid change (alanine 925 retained).
Molecular consequence: synonymous variant.
Genome position (GRCh38, 1-based): chr17:61,685,966, T>C on the plus strand (A>G on the coding strand, the complement: BRIP1 is on the minus strand). VCF-style: chr17-61685966-T-C. GRCh37 (hg19) VCF-style: chr17-59763327-T-C.
Identifiers: ClinVar variation 479438 (VCV000479438.9), dbSNP rs1340804078, ClinGen allele CA501335716.